The following is an entry in ClinVar:

ClinVar aggregate classification (germline): Uncertain significance. Review status: criteria provided, multiple submitters, no conflicts (2 of 4 stars). 4 submissions from 4 submitters: Uncertain significance (3). 1 of the submissions does not count toward it. Last evaluated 2025-03-18.

Conditions:
Polyglandular autoimmune syndrome, type 1 (APS1). Also called: Autoimmune polyendocrine syndrome type 1; HYPOADRENOCORTICISM WITH HYPOPARATHYROIDISM AND SUPERFICIAL MONILIASIS; PGA I; AUTOIMMUNE POLYENDOCRINE SYNDROME, TYPE I, WITH OR WITHOUT REVERSIBLE METAPHYSEAL DYSPLASIA; APS I; Whitaker syndrome. Identifiers: Orphanet 3453, MedGen C0085859, MONDO:0009411, OMIM 240300.

Allele frequency attached by ClinVar (database versions not stated): TOPMed 0.00009; gnomAD 0.00010; gnomAD exomes 0.00011; ExAC 0.00012.
gnomAD v4.1: 173 of 1,611,682 alleles (0.011%); highest among the groups gnomAD compares: South Asian, 0.025%; no homozygotes.

Submissions (4):

GeneDx
Classification: Uncertain significance. Last evaluated: 2025-03-18. Review status: criteria provided, single submitter. Criteria: GeneDx Variant Classification Process June 2021. Collection method: clinical testing. Allele origin: germline. Affected: yes.
Comment: In silico analysis indicates that this missense variant does not alter protein structure/function; This variant is associated with the following publications: (PMID: 36703223, CrammerJ2022[Poster])

Labcorp Genetics (formerly Invitae), Labcorp
Classification: Uncertain significance for Polyglandular autoimmune syndrome, type 1. Last evaluated: 2025-01-29. Review status: criteria provided, single submitter. Criteria: Invitae Variant Classification Sherloc (09022015). Collection method: clinical testing. Allele origin: germline.
Comment: This sequence change replaces isoleucine, which is neutral and non-polar, with methionine, which is neutral and non-polar, at codon 309 of the AIRE protein (p.Ile309Met). This variant is present in population databases (rs74162062, gnomAD 0.03%). This variant has not been reported in the literature in individuals affected with AIRE-related conditions. ClinVar contains an entry for this variant (Variation ID: 967385). Invitae Evidence Modeling of protein sequence and biophysical properties (such as structural, functional, and spatial information, amino acid conservation, physicochemical variation, residue mobility, and thermodynamic stability) indicates that this missense variant is expected to disrupt AIRE protein function with a positive predictive value of 95%. In summary, the available evidence is currently insufficient to determine the role of this variant in disease. Therefore, it has been classified as a Variant of Uncertain Significance.

Dubai Health Genomic Medicine Center, Dubai Health
Classification: Uncertain significance for Polyglandular autoimmune syndrome, type 1. Last evaluated: 2021-02-15. Review status: criteria provided, single submitter. Criteria: ACMG Guidelines, 2015. Collection method: clinical testing. Allele origin: germline. Affected: yes.
Comment: The p.Ile309Met missense variant in AIRE has not been previously reported in individuals with disease but was identified in 21/127530 (0.02% 0 homozygotes) European Non-Finnish alleles and in 9/30594 (0.03% 0 homozygotes) South Asian alleles in the Genome Aggregation Database (gnomAD). Computational prediction tools and conservation analyses do not suggest an impact to protein function though this information is not predictive enough to rule out pathogenicity. In summary additional information is needed to fully assess the clinical significance of this variant.

Natera, Inc.
Classification: Uncertain significance for Polyglandular autoimmune syndrome type 1. Last evaluated: 2020-01-15. Review status: no assertion criteria provided. Collection method: clinical testing. Allele origin: germline. Not counted in ClinVar's aggregate classification.

NM_000383.4(AIRE):c.927C>G (p.Ile309Met)

Gene: AIRE (autoimmune regulator; plus strand). Cytogenetic location: 21q22.3.
Variant type: single nucleotide variant.
Coding change: c.927C>G on transcript NM_000383.4 (MANE Select); coding-DNA position 927, C replaced by G.
Protein change: p.Ile309Met; replaces isoleucine 309 with methionine.
Molecular consequence: missense variant.
Genome position (GRCh38, 1-based): chr21:44,291,142, C>G. VCF-style: chr21-44291142-C-G. GRCh37 (hg19) VCF-style: chr21-45711025-C-G.
Other names: c.927C>G (NM_000383.2); short protein forms I309M.
Identifiers: ClinVar variation 967385 (VCV000967385.12), dbSNP rs74162062, ClinGen allele CA10051859.
Genomic context (GRCh38, chr21:44,291,142, plus strand): 5'-TTGCCTGTGCCAGAAGAATGAGGACGAGTGTGCCGTGTGTCGGGACGGCGGGGAGCTCAT[C>G]TGCTGTGACGGCTGCCCTCGGGCCTTCCACCTGGCCTGCCTGTCCCCTCCGCTCCGGGAG-3'
Protein context (NP_000374.1, residues 299-319): CAVCRDGGEL[Ile309Met]CCDGCPRAFH